The following is an entry in ClinVar:

NM_206937.2(LIG4):c.1337G>C (p.Gly446Ala)

Gene: LIG4 (DNA ligase 4; minus strand). Cytogenetic location: 13q33.3.
Variant type: single nucleotide variant.
Coding change: c.1337G>C on transcript NM_206937.2 (MANE Select); coding-DNA position 1337, G replaced by C.
Protein change: p.Gly446Ala; replaces glycine 446 with alanine.
Molecular consequence: missense variant.
Genome position (GRCh38, 1-based): chr13:108,209,932, C>G on the plus strand (G>C on the coding strand, the complement: LIG4 is on the minus strand). VCF-style: chr13-108209932-C-G. GRCh37 (hg19) VCF-style: chr13-108862280-C-G.
Other names: c.1337G>C, p.Gly446Ala (NM_001098268.2, NM_001352598.2, NM_001352599.2 and 6 more transcripts); c.1136G>C, p.Gly379Ala (NM_001330595.2); c.1373G>C, p.Gly458Ala (NM_001352604.2); short protein forms G446A, G458A, G379A.
Identifiers: ClinVar variation 533824 (VCV000533824.7), dbSNP rs199934893, ClinGen allele CA7043708.

ClinVar aggregate classification (germline): Uncertain significance. Review status: criteria provided, multiple submitters, no conflicts (2 of 4 stars). 3 submissions from 3 submitters: Uncertain significance (3). Last evaluated 2026-04-01.

Conditions:
DNA ligase IV deficiency. Identifiers: Orphanet 99812, MedGen C1847827, MONDO:0011686, OMIM 606593.

Allele frequency attached by ClinVar (database versions not stated): gnomAD 0.00003 and 0.00001; gnomAD exomes 0.00003; ESP Exome Variant Server 0.00008; 1000 Genomes Project 30x 0.00016; 1000 Genomes Project 0.00020; ExAC 0.00002; TOPMed 0.00002.
gnomAD v4.1: 20 of 1,613,986 alleles (0.0012%); highest among the groups gnomAD compares: Non-Finnish European, 0.0017%; no homozygotes.

Submissions (3):

Women's Health and Genetics/Laboratory Corporation of America, LabCorp
Classification: Uncertain significance. Last evaluated: 2026-04-01. Review status: criteria provided, single submitter. Criteria: LabCorp Variant Classification Summary - May 2015. Collection method: clinical testing. Allele origin: germline.
Comment: Variant summary: LIG4 c.1337G>C (p.Gly446Ala) results in a non-conservative amino acid change in the encoded protein sequence. Algorithms developed to predict the effect of missense changes on protein structure and function all suggest that this variant is likely to be disruptive. The variant allele was found at a frequency of 2.8e-05 in 251336 control chromosomes. The available data on variant occurrences in the general population are insufficient to allow any conclusion about variant significance. To our knowledge, no occurrence of c.1337G>C in individuals affected with LIG4-related conditions and no experimental evidence demonstrating its impact on protein function have been reported. ClinVar contains an entry for this variant (Variation ID: 533824). Based on the evidence outlined above, the variant was classified as uncertain significance.

Labcorp Genetics (formerly Invitae), Labcorp
Classification: Uncertain significance for DNA ligase IV deficiency. Last evaluated: 2024-10-21. Review status: criteria provided, single submitter. Criteria: Invitae Variant Classification Sherloc (09022015). Collection method: clinical testing. Allele origin: germline.
Comment: This sequence change replaces glycine, which is neutral and non-polar, with alanine, which is neutral and non-polar, at codon 446 of the LIG4 protein (p.Gly446Ala). This variant is present in population databases (rs199934893, gnomAD 0.006%). This variant has not been reported in the literature in individuals affected with LIG4-related conditions. ClinVar contains an entry for this variant (Variation ID: 533824). Invitae Evidence Modeling of protein sequence and biophysical properties (such as structural, functional, and spatial information, amino acid conservation, physicochemical variation, residue mobility, and thermodynamic stability) has been performed for this missense variant. However, the output from this modeling did not meet the statistical confidence thresholds required to predict the impact of this variant on LIG4 protein function. In summary, the available evidence is currently insufficient to determine the role of this variant in disease. Therefore, it has been classified as a Variant of Uncertain Significance.

Breakthrough Genomics
Classification: Uncertain significance. Review status: criteria provided, single submitter. Criteria: ACMG Guidelines, 2015. Collection method: not provided. Allele origin: germline. Inheritance: Autosomal recessive inheritance. Affected: yes.